The following is an entry in ClinVar:

ClinVar aggregate classification (germline): Uncertain significance. Review status: criteria provided, multiple submitters, no conflicts (2 of 4 stars). 2 submissions from 2 submitters: Uncertain significance (2). Last evaluated 2024-11-24.

Conditions:
Early-onset Lafora body disease. Also called: Epilepsy, progressive myoclonic, 10. Identifiers: Orphanet 324290, MedGen C4225258, MONDO:0014717, OMIM 616640.

Allele frequency attached by ClinVar (database versions not stated): gnomAD 0.00001; TOPMed 0.00002.
gnomAD v4.1: 15 of 1,544,426 alleles (0.00097%); highest among the groups gnomAD compares: Non-Finnish European, 0.0013%; no homozygotes.

Submissions (2):

Ambry Genetics
Classification: Uncertain significance. Last evaluated: 2024-11-24. Review status: criteria provided, single submitter. Criteria: Ambry Variant Classification Scheme 2023. Collection method: clinical testing. Allele origin: germline.

Labcorp Genetics (formerly Invitae), Labcorp
Classification: Uncertain significance for Early-onset Lafora body disease. Last evaluated: 2022-06-14. Review status: criteria provided, single submitter. Criteria: Invitae Variant Classification Sherloc (09022015). Collection method: clinical testing. Allele origin: germline.
Comment: In summary, the available evidence is currently insufficient to determine the role of this variant in disease. Therefore, it has been classified as a Variant of Uncertain Significance. Algorithms developed to predict the effect of missense changes on protein structure and function are either unavailable or do not agree on the potential impact of this missense change (SIFT: "Tolerated"; PolyPhen-2: "Possibly Damaging"; Align-GVGD: "Class C0"). This variant has not been reported in the literature in individuals affected with PRDM8-related conditions. The frequency data for this variant in the population databases is considered unreliable, as metrics indicate poor data quality at this position in the gnomAD database. This sequence change replaces glycine, which is neutral and non-polar, with aspartic acid, which is acidic and polar, at codon 332 of the PRDM8 protein (p.Gly332Asp).

NM_001099403.2(PRDM8):c.995G>A (p.Gly332Asp)

Genes: PRDM8 (PR/SET domain 8; plus strand), LOC129992744 (ATAC-STARR-seq lymphoblastoid silent region 15521; plus strand). Cytogenetic location: 4q21.21.
Variant type: single nucleotide variant.
Coding change: c.995G>A on transcript NM_001099403.2 (MANE Select); coding-DNA position 995, G replaced by A.
Protein change: p.Gly332Asp; replaces glycine 332 with aspartic acid.
Molecular consequence: missense variant.
Genome position (GRCh38, 1-based): chr4:80,202,457, G>A. VCF-style: chr4-80202457-G-A. GRCh37 (hg19) VCF-style: chr4-81123611-G-A.
Other names: c.995G>A, p.Gly332Asp (NM_020226.4); c.995G>A (NM_020226.3); short protein forms G332D.
Identifiers: ClinVar variation 2175978 (VCV002175978.5), dbSNP rs920316390, ClinGen allele CA100000630.